The following is an entry in ClinVar:

NM_000059.4(BRCA2):c.3863A>G (p.Asn1288Ser)

Gene: BRCA2 (BRCA2 DNA repair associated; plus strand). Cytogenetic location: 13q13.1.
Variant type: single nucleotide variant.
Coding change: c.3863A>G on transcript NM_000059.4 (MANE Select); coding-DNA position 3863, A replaced by G.
Protein change: p.Asn1288Ser; replaces asparagine 1288 with serine.
Molecular consequence: missense variant.
Genome position (GRCh38, 1-based): chr13:32,338,218, A>G. VCF-style: chr13-32338218-A-G. GRCh37 (hg19) VCF-style: chr13-32912355-A-G.
Other names: short protein forms N1288S.
Identifiers: ClinVar variation 462312 (VCV000462312.22), dbSNP rs80358630, ClinGen allele CA6940731.

ClinVar aggregate classification (germline): Conflicting classifications of pathogenicity. Review status: criteria provided, conflicting classifications (1 of 4 stars). 8 submissions from 8 submitters: Uncertain significance (5); Likely benign (3). Last evaluated 2025-12-21.

Conditions:
Hereditary breast ovarian cancer syndrome. Also called: BRCA1- and BRCA2-Associated Hereditary Breast and Ovarian Cancer; Hereditary breast and ovarian cancer syndrome; Hereditary breast and/or ovarian cancer syndrome; Hereditary breast and ovarian cancer syndrome (HBOC); Hereditary breast and ovarian cancer; Breast and ovarian cancer. Identifiers: Orphanet 145, MedGen C0677776, MeSH D061325, MONDO:0003582. Disease mechanism: loss of function.
Breast-ovarian cancer, familial, susceptibility to, 2 (BROVCA2). Also called: BRCA2 Hereditary Breast and Ovarian Cancer. Identifiers: Orphanet 145, MedGen C2675520, MONDO:0012933, OMIM 612555. Disease mechanism: loss of function.
Hereditary cancer-predisposing syndrome. Also called: Hereditary neoplastic syndrome; Neoplastic Syndromes, Hereditary; Hereditary Cancer Syndrome; Tumor predisposition. Identifiers: Orphanet 140162, MedGen C0027672, MeSH D009386, MONDO:0015356.

Allele frequency attached by ClinVar (database versions not stated): ExAC 0.00001; gnomAD exomes 0.00002; gnomAD 0.00003.
gnomAD v4.1: 4 of 1,541,790 alleles (0.00026%); highest among the groups gnomAD compares: East Asian, 0.0091%; no homozygotes.

Submissions (8):

Labcorp Genetics (formerly Invitae), Labcorp
Classification: Uncertain significance for Hereditary breast ovarian cancer syndrome. Last evaluated: 2025-12-21. Review status: criteria provided, single submitter. Criteria: Invitae Variant Classification Sherloc (09022015). Collection method: clinical testing. Allele origin: germline.
Comment: This sequence change replaces asparagine, which is neutral and polar, with serine, which is neutral and polar, at codon 1288 of the BRCA2 protein (p.Asn1288Ser). This variant is present in population databases (rs80358630, gnomAD 0.03%). This variant has not been reported in the literature in individuals affected with BRCA2-related conditions. ClinVar contains an entry for this variant (Variation ID: 462312). Invitae Evidence Modeling of protein sequence and biophysical properties (such as structural, functional, and spatial information, amino acid conservation, physicochemical variation, residue mobility, and thermodynamic stability) indicates that this missense variant is not expected to disrupt BRCA2 protein function with a negative predictive value of 95%. In summary, the available evidence is currently insufficient to determine the role of this variant in disease. Therefore, it has been classified as a Variant of Uncertain Significance.

Quest Diagnostics Nichols Institute San Juan Capistrano
Classification: Uncertain significance. Last evaluated: 2025-09-08. Review status: criteria provided, single submitter. Criteria: Quest Diagnostics criteria. Collection method: clinical testing. Allele origin: unknown.
Comment: The BRCA2 c.3863A>G (p.Asn1288Ser) variant has been identified in the published literature in a reportedly unaffected individual (PMID: 38566028 (2024)) as well as individuals undergoing genetic testing (PMID: 31837001 (2020), 39402389 (2024)). This variant has also been reported to be located in a region of the BRCA2 gene that is tolerant to missense sequence changes (PMID: 31911673 (2020)). The frequency of this variant in the general population (Genome Aggregation Database) is uninformative in the assessment of its pathogenicity. Analysis of this variant using bioinformatics tools for the prediction of the effect of amino acid changes on protein structure and function yielded predictions that this variant is benign. Based on the available information, we are unable to determine the clinical significance of this variant.

Ambry Genetics
Classification: Likely benign for Hereditary cancer-predisposing syndrome. Last evaluated: 2025-04-13. Review status: criteria provided, single submitter. Criteria: Ambry Variant Classification Scheme 2023. Collection method: clinical testing. Allele origin: germline.

Molecular Pathology, Peter Maccallum Cancer Centre
Classification: Likely benign for Breast-ovarian cancer, familial, susceptibility to, 2. Last evaluated: 2024-09-17. Review status: criteria provided, single submitter. Criteria: ACMG Guidelines, 2015. Collection method: clinical testing. Allele origin: germline. Inheritance: Autosomal dominant inheritance.

All of Us Research Program, National Institutes of Health
Classification: Uncertain significance for Breast-ovarian cancer, familial, susceptibility to, 2. Last evaluated: 2023-11-30. Review status: criteria provided, single submitter. Criteria: ACMG Guidelines, 2015. Collection method: clinical testing. Allele origin: germline. Inheritance: Autosomal dominant inheritance. Observed: 1 variant allele, 1 heterozygote.
Comment: This missense variant replaces asparagine with serine at codon 1288 of the BRCA2 protein. Computational prediction suggests that this variant may not impact protein structure and function (internally defined REVEL score threshold <= 0.5, PMID: 27666373). To our knowledge, functional studies have not been reported for this variant. This variant has not been reported in individuals affected with hereditary cancer in the literature. This variant has been identified in 5/227022 chromosomes in the general population by the Genome Aggregation Database (gnomAD). The available evidence is insufficient to determine the role of this variant in disease conclusively. Therefore, this variant is classified as a Variant of Uncertain Significance.

This study involves interpretation of variants in research participants for the purpose of population health screening. Participant phenotype was not available at the time of variant classification. Additional details can be found in publication PMID: 35346344, PMCID: PMC8962531

Blueprint Genetics
Classification: Uncertain significance. Last evaluated: 2023-09-01. Review status: criteria provided, single submitter. Criteria: ACMG Guidelines, 2015. Collection method: clinical testing. Allele origin: germline.

University of Washington Department of Laboratory Medicine, University of Washington
Classification: Likely benign for Hereditary cancer-predisposing syndrome. Last evaluated: 2023-03-23. Review status: criteria provided, single submitter. Criteria: Dines et al. (Genet Med. 2020). Collection method: curation. Allele origin: germline.
Comment: Missense variant in a coldspot region where missense variants are very unlikely to be pathogenic (PMID:31911673).

BRCA2 exon 11 coldspot. Reclassification based on statistical prior probability.

Color Diagnostics, LLC DBA Color Health
Classification: Uncertain significance for Hereditary cancer-predisposing syndrome. Last evaluated: 2021-09-22. Review status: criteria provided, single submitter. Criteria: ACMG Guidelines, 2015. Collection method: clinical testing. Allele origin: germline.
Comment: This missense variant replaces asparagine with serine at codon 1288 of the BRCA2 protein. Computational prediction suggests that this variant may not impact protein structure and function (internally defined REVEL score threshold <= 0.5, PMID: 27666373). To our knowledge, functional studies have not been reported for this variant. This variant has not been reported in individuals affected with hereditary cancer in the literature. This variant has been identified in 5/227022 chromosomes in the general population by the Genome Aggregation Database (gnomAD). The available evidence is insufficient to determine the role of this variant in disease conclusively. Therefore, this variant is classified as a Variant of Uncertain Significance.

Literature cited by the submitters: PubMed 31911673 (cited by Quest Diagnostics Nichols Institute San Juan Capistrano); PubMed 39402389 (cited by Quest Diagnostics Nichols Institute San Juan Capistrano); PubMed 31837001 (cited by Quest Diagnostics Nichols Institute San Juan Capistrano); PubMed 38566028 (cited by Quest Diagnostics Nichols Institute San Juan Capistrano).